The following is an entry in ClinVar:

NM_000368.5(TSC1):c.1418T>C (p.Ile473Thr)

Gene: TSC1 (TSC complex subunit 1; minus strand). Cytogenetic location: 9q34.13.
Variant type: single nucleotide variant.
Coding change: c.1418T>C on transcript NM_000368.5 (MANE Select); coding-DNA position 1418, T replaced by C.
Protein change: p.Ile473Thr; replaces isoleucine 473 with threonine.
Molecular consequence: missense variant.
Genome position (GRCh38, 1-based): chr9:132,906,751, A>G on the plus strand (T>C on the coding strand, the complement: TSC1 is on the minus strand). VCF-style: chr9-132906751-A-G. GRCh37 (hg19) VCF-style: chr9-135782138-A-G.
Other names: c.1415T>C, p.Ile472Thr (NM_001162426.2); c.1265T>C, p.Ile422Thr (NM_001162427.2); c.1055T>C, p.Ile352Thr (NM_001362177.2); short protein forms I352T, I472T, I473T, I422T.
Identifiers: ClinVar variation 665931 (VCV000665931.16), dbSNP rs185159716, ClinGen allele CA028574.
Genomic context (GRCh38, chr9:132,906,751, plus strand): 5'-GTCAGGTTTTATCAACTCATAGCAATCCCACATACATTACCTTCTTCTTTATCTTTTTCA[A>G]TACTATCTTCTTCAGAGGCCAGATCACCTAAAAACCCTGGAAGATCACTTAGAGTGACAG-3'
Protein context (NP_000359.1, residues 463-483): LGDLASEEDS[Ile473Thr]EKDKEEAAIS

ClinVar aggregate classification (germline): Conflicting classifications of pathogenicity. Review status: criteria provided, conflicting classifications (1 of 4 stars). 3 submissions from 3 submitters: Uncertain significance (1); Likely benign (1). 1 of the submissions does not count toward it. Last evaluated 2025-02-27.

Conditions:
Hereditary cancer-predisposing syndrome. Also called: Neoplastic Syndromes, Hereditary; Hereditary neoplastic syndrome; Tumor predisposition; Hereditary Cancer Syndrome. Identifiers: Orphanet 140162, MedGen C0027672, MeSH D009386, MONDO:0015356.
Tuberous sclerosis 1 (TSC1). Identifiers: Orphanet 805, MedGen C1854465, MONDO:0008612, OMIM 191100.
TSC1-related disorder. Also called: TSC1-related condition.

Allele frequency attached by ClinVar (database versions not stated): gnomAD exomes below 0.00001; ExAC 0.00001; gnomAD 0.00001 and 0.00002; TOPMed 0.00001; 1000 Genomes Project 0.00020; 1000 Genomes Project 30x 0.00031.
gnomAD v4.1: 5 of 1,614,038 alleles (0.00031%); highest among the groups gnomAD compares: African/African-American, 0.004%; no homozygotes.

Submissions (3):

Labcorp Genetics (formerly Invitae), Labcorp
Classification: Likely benign for Tuberous sclerosis 1. Last evaluated: 2025-02-27. Review status: criteria provided, single submitter. Criteria: Invitae Variant Classification Sherloc (09022015). Collection method: clinical testing. Allele origin: germline.

Ambry Genetics
Classification: Uncertain significance for Hereditary cancer-predisposing syndrome. Last evaluated: 2024-12-31. Review status: criteria provided, single submitter. Criteria: Ambry Variant Classification Scheme 2023. Collection method: clinical testing. Allele origin: germline.
Comment: The p.I473T variant (also known as c.1418T>C), located in coding exon 12 of the TSC1 gene, results from a T to C substitution at nucleotide position 1418. The isoleucine at codon 473 is replaced by threonine, an amino acid with similar properties. This amino acid position is not well conserved in available vertebrate species. In addition, this alteration is predicted to be tolerated by in silico analysis. Based on the available evidence, the clinical significance of this variant remains unclear.

PreventionGenetics, part of Exact Sciences
Classification: Uncertain significance for TSC1-related condition. Last evaluated: 2023-12-20. Review status: no assertion criteria provided. Collection method: clinical testing. Allele origin: germline. Not counted in ClinVar's aggregate classification.
Comment: The TSC1 c.1418T>C variant is predicted to result in the amino acid substitution p.Ile473Thr. To our knowledge, this variant has not been reported in the literature. This variant is reported in 0.0062% of alleles in individuals of African descent in gnomAD. At this time, the clinical significance of this variant is uncertain due to the absence of conclusive functional and genetic evidence.